The following is an entry in ClinVar:

ClinVar aggregate classification (germline): Uncertain significance (0 of 4 stars; one submission).

Conditions:
PRIMPOL-related disorder. Also called: PRIMPOL-related condition.

Submission:

PreventionGenetics, part of Exact Sciences
Classification: Uncertain significance for PRIMPOL-related condition. Last evaluated: 2024-08-28. Review status: no assertion criteria provided. Collection method: clinical testing. Allele origin: germline.
Comment: The PRIMPOL c.1378+5delG variant is predicted to result in an intronic deletion. To our knowledge, this variant has not been reported in the literature or in a large population database, indicating this variant is rare. At this time, the clinical significance of this variant is uncertain due to the absence of conclusive functional and genetic evidence.

NM_152683.4(PRIMPOL):c.1378+5del

Gene: PRIMPOL (primase and DNA directed polymerase; plus strand). Cytogenetic location: 4q35.1.
Variant type: Deletion.
Coding change: c.1378+5del on transcript NM_152683.4 (MANE Select); 5 bases into the intron after coding-DNA position 1378, one base deleted (G; older notation c.1378+5delG).
Molecular consequence: intron variant.
Genome position (GRCh38, 1-based): chr4:184,691,586, G deleted. VCF-style (leftmost placement, unchanged base first): chr4-184691585-AG-A. GRCh37 (hg19) VCF-style: chr4-185612739-AG-A.
Other names: c.1417+5del (NM_001345891.2); c.1414+5del (NM_001345893.2, NM_001345892.2); c.1375+5del (NM_001300768.2, NM_001345896.2); c.1126+5del (NM_001345899.2); c.721+5del (NM_001345894.2); c.682+5del (NM_001345897.2, NM_001345901.2); c.679+5del (NM_001345898.2); c.853+5del (NM_001345900.2); and 2 more.
Identifiers: ClinVar variation 3355041 (VCV003355041.1).